The following is an entry in ClinVar:

NM_001382567.1(STIM1):c.570G>T (p.Leu190=)

Gene: STIM1 (stromal interaction molecule 1; plus strand). Cytogenetic location: 11p15.4.
Variant type: single nucleotide variant.
Coding change: c.570G>T on transcript NM_001382567.1 (MANE Select); coding-DNA position 570, G replaced by T.
Protein change: p.Leu190=; no amino-acid change (leucine 190 retained).
Molecular consequence: synonymous variant. On other transcripts: non-coding transcript variant (3), intron variant (1).
Genome position (GRCh38, 1-based): chr11:4,059,353, G>T. VCF-style: chr11-4059353-G-T. GRCh37 (hg19) VCF-style: chr11-4080583-G-T.
Other names: c.570G>T, p.Leu190= (NM_001277961.3, NM_001277962.2, NM_001382568.1 and 2 more transcripts); c.348G>T, p.Leu116= (NM_001382566.1, NM_001382573.1, NM_001382574.1 and 5 more transcripts); c.435G>T, p.Leu145= (NM_001382569.1); c.90G>T, p.Leu30= (NM_001382571.1); c.81G>T, p.Leu27= (NM_001382580.1, NM_001382581.1); c.386-10673G>T (NM_001382570.1).
Identifiers: ClinVar variation 530883 (VCV000530883.31), dbSNP rs200233698, ClinGen allele CA5830256.

ClinVar aggregate classification (germline): Likely benign. Review status: criteria provided, multiple submitters, no conflicts (2 of 4 stars). 4 submissions from 4 submitters: Likely benign (3). 1 of the submissions does not count toward it. Last evaluated 2025-11-17.

Conditions:
Stormorken syndrome (STRMK). Also called: THROMBOCYTOPATHY, ASPLENIA, AND MIOSIS. Identifiers: Orphanet 3204, MedGen C1861451, MONDO:0008497, OMIM 185070.
Myopathy with tubular aggregates (TAM). Also called: Tubular Aggregate Myopathy. Identifiers: Orphanet 2593, MedGen C0410207, MONDO:0008051.
Combined immunodeficiency due to STIM1 deficiency. Also called: IMMUNODEFICIENCY 10; STIM1 DEFICIENCY. Identifiers: Orphanet 169090, Orphanet 317430, MedGen C2748557, MONDO:0013008, OMIM 612783.
STIM1-related disorder. Also called: STIM1-related condition.

Allele frequency attached by ClinVar (database versions not stated): ExAC 0.00009; gnomAD exomes 0.00009 and 0.00011; gnomAD 0.00012 and 0.00013; TOPMed 0.00014; ESP Exome Variant Server 0.00015; 1000 Genomes Project 30x 0.00016; 1000 Genomes Project 0.00020.
gnomAD v4.1: 177 of 1,614,098 alleles (0.011%); highest among the groups gnomAD compares: Admixed American, 0.023%; no homozygotes.

Submissions (4):

Labcorp Genetics (formerly Invitae), Labcorp
Classification: Likely benign for Myopathy with tubular aggregates; Combined immunodeficiency due to STIM1 deficiency; Stormorken syndrome. Last evaluated: 2025-11-17. Review status: criteria provided, single submitter. Criteria: Invitae Variant Classification Sherloc (09022015). Collection method: clinical testing. Allele origin: germline.

CeGaT Center for Human Genetics Tuebingen
Classification: Likely benign. Last evaluated: 2024-07-01. Review status: criteria provided, single submitter. Criteria: CeGaT Center For Human Genetics Tuebingen Variant Classification Criteria Version 2. Collection method: clinical testing. Allele origin: germline. Affected: yes. Observed: 1 variant allele.
Comment: STIM1: BP4, BP7

Blueprint Genetics
Classification: Likely benign. Last evaluated: 2024-04-22. Review status: criteria provided, single submitter. Criteria: ACMG Guidelines, 2015. Collection method: clinical testing. Allele origin: germline.

PreventionGenetics, part of Exact Sciences
Classification: Likely benign for STIM1-related condition. Last evaluated: 2020-09-21. Review status: no assertion criteria provided. Collection method: clinical testing. Allele origin: germline. Not counted in ClinVar's aggregate classification.
Comment: This variant is classified as likely benign based on ACMG/AMP sequence variant interpretation guidelines (Richards et al. 2015 PMID: 25741868, with internal and published modifications).